The following is an entry in ClinVar:

ClinVar aggregate classification (germline): Uncertain significance (1 of 4 stars; one submission).

Conditions:
Pierson syndrome. Also called: MICROCORIA-CONGENITAL NEPHROTIC SYNDROME. Identifiers: Orphanet 2670, MedGen C1836876, MONDO:0012184, OMIM 609049.
LAMB2-related infantile-onset nephrotic syndrome. Also called: NEPHROTIC SYNDROME, TYPE 5, WITHOUT OCULAR ABNORMALITIES; NEPHROTIC SYNDROME, TYPE 5, WITH OCULAR ABNORMALITIES; Nephrotic Syndrome, type 5. Identifiers: Orphanet 306507, MedGen C3280113, MONDO:0013621, OMIM 614199.

Allele frequency attached by ClinVar (database versions not stated): TOPMed 0.00001.

Submission:

Labcorp Genetics (formerly Invitae), Labcorp
Classification: Uncertain significance for LAMB2-related infantile-onset nephrotic syndrome; Pierson syndrome. Last evaluated: 2021-04-28. Review status: criteria provided, single submitter. Criteria: Invitae Variant Classification Sherloc (09022015). Collection method: clinical testing. Allele origin: germline.
Comment: This sequence change falls in intron 11 of the LAMB2 gene. It does not directly change the encoded amino acid sequence of the LAMB2 protein. It affects a nucleotide within the consensus splice site of the intron. This variant is not present in population databases (ExAC no frequency). This variant has not been reported in the literature in individuals with LAMB2-related conditions. Nucleotide substitutions within the consensus splice site are a relatively common cause of aberrant splicing (PMID: 17576681, 9536098). Algorithms developed to predict the effect of sequence changes on RNA splicing suggest that this variant is not likely to affect RNA splicing, but this prediction has not been confirmed by published transcriptional studies. In summary, the available evidence is currently insufficient to determine the role of this variant in disease. Therefore, it has been classified as a Variant of Uncertain Significance.

Literature cited by the submitters: PubMed 17576681; PubMed 9536098.

NM_002292.4(LAMB2):c.1518+3G>A

Gene: LAMB2 (laminin subunit beta 2; minus strand). Cytogenetic location: 3p21.31.
Variant type: single nucleotide variant.
Coding change: c.1518+3G>A on transcript NM_002292.4 (MANE Select); 3 bases into the intron after coding-DNA position 1518, G replaced by A.
Molecular consequence: intron variant.
Genome position (GRCh38, 1-based): chr3:49,129,601, C>T on the plus strand (G>A on the coding strand, the complement: LAMB2 is on the minus strand). VCF-style: chr3-49129601-C-T. GRCh37 (hg19) VCF-style: chr3-49167034-C-T.
Identifiers: ClinVar variation 1349624 (VCV001349624.3), dbSNP rs2045459387, ClinGen allele CA1363342184.